The following is an entry in ClinVar:

NM_001127649.3(PEX26):c.103G>A (p.Val35Met)

Gene: PEX26 (peroxisomal biogenesis factor 26; plus strand). Cytogenetic location: 22q11.21.
Variant type: single nucleotide variant.
Coding change: c.103G>A on transcript NM_001127649.3 (MANE Select); coding-DNA position 103, G replaced by A.
Protein change: p.Val35Met; replaces valine 35 with methionine.
Molecular consequence: missense variant.
Genome position (GRCh38, 1-based): chr22:18,078,479, G>A. VCF-style: chr22-18078479-G-A. GRCh37 (hg19) VCF-style: chr22-18561245-G-A.
Other names: c.103G>A, p.Val35Met (NM_001199319.2, NM_017929.6); short protein forms V35M.
Identifiers: ClinVar variation 2169751 (VCV002169751.2), dbSNP rs757375227, ClinGen allele CA10093224.

ClinVar aggregate classification (germline): Uncertain significance. Review status: criteria provided, multiple submitters, no conflicts (2 of 4 stars). 2 submissions from 2 submitters: Uncertain significance (2). Last evaluated 2022-09-27.

Conditions:
Peroxisome biogenesis disorder 7A (Zellweger). Also called: Peroxisome biogenesis disorder 7A. Identifiers: Orphanet 912, MedGen C3888385, MONDO:0013938, OMIM 614872.
Peroxisome biogenesis disorder 7B (PBD7B). Identifiers: Orphanet 44, MedGen C3553951, MONDO:0013939, OMIM 614873.

Allele frequency attached by ClinVar (database versions not stated): gnomAD 0.00003; TOPMed 0.00003; ExAC 0.00006.
gnomAD v4.1: 41 of 1,574,800 alleles (0.0026%); highest among the groups gnomAD compares: Admixed American, 0.018%; no homozygotes.

Submissions (2):

Labcorp Genetics (formerly Invitae), Labcorp
Classification: Uncertain significance for Peroxisome biogenesis disorder 7A (Zellweger); Peroxisome biogenesis disorder 7B. Last evaluated: 2022-09-27. Review status: criteria provided, single submitter. Criteria: Invitae Variant Classification Sherloc (09022015). Collection method: clinical testing. Allele origin: germline.
Comment: This sequence change replaces valine, which is neutral and non-polar, with methionine, which is neutral and non-polar, at codon 35 of the PEX26 protein (p.Val35Met). This variant is present in population databases (rs757375227, gnomAD 0.03%). This variant has not been reported in the literature in individuals affected with PEX26-related conditions. Advanced modeling of protein sequence and biophysical properties (such as structural, functional, and spatial information, amino acid conservation, physicochemical variation, residue mobility, and thermodynamic stability) performed at Invitae indicates that this missense variant is not expected to disrupt PEX26 protein function. In summary, the available evidence is currently insufficient to determine the role of this variant in disease. Therefore, it has been classified as a Variant of Uncertain Significance.

Blueprint Genetics
Classification: Uncertain significance. Last evaluated: 2021-09-08. Review status: criteria provided, single submitter. Criteria: ACMG Guidelines, 2015. Collection method: clinical testing. Allele origin: germline.